The following is an entry in ClinVar:

ClinVar aggregate classification (germline): Uncertain significance. Review status: criteria provided, multiple submitters, no conflicts (2 of 4 stars). 2 submissions from 2 submitters: Uncertain significance (2). Last evaluated 2023-09-29.

Conditions:
Hereditary cancer-predisposing syndrome. Also called: Tumor predisposition; Neoplastic Syndromes, Hereditary; Hereditary Cancer Syndrome; Hereditary neoplastic syndrome. Identifiers: Orphanet 140162, MedGen C0027672, MeSH D009386, MONDO:0015356.
Gorlin syndrome. Also called: Basal cell nevus syndrome; Nevoid Basal Cell Carcinoma Syndrome. Identifiers: Orphanet 377, MedGen C0004779, MONDO:0007187.
Medulloblastoma (MDB). Also called: Medulloblastoma, somatic; MEDULLOBLASTOMA PREDISPOSITION SYNDROME. Identifiers: Orphanet 616, MedGen C0025149, MeSH D008527, MONDO:0007959, OMIM 155255, HP:0002885.

Allele frequency attached by ClinVar (database versions not stated): gnomAD 0.00001.
gnomAD v4.1: 1 of 1,614,036 alleles (0.000062%); highest among the groups gnomAD compares: Non-Finnish European, 0.000085%; no homozygotes.

Submissions (2):

Ambry Genetics
Classification: Uncertain significance for Hereditary cancer-predisposing syndrome. Last evaluated: 2023-09-29. Review status: criteria provided, single submitter. Criteria: Ambry Variant Classification Scheme 2023. Collection method: clinical testing. Allele origin: germline.
Comment: The p.E106D variant (also known as c.318G>T) is located in coding exon 3 of the SUFU gene. The glutamic acid at codon 106 is replaced by aspartic acid, an amino acid with highly similar properties. This change occurs in the first base pair of coding exon 3. This amino acid position is conserved. In addition, this alteration is predicted to be tolerated by in silico analysis. Since supporting evidence is limited at this time, the clinical significance of this alteration remains unclear.

Labcorp Genetics (formerly Invitae), Labcorp
Classification: Uncertain significance for Gorlin syndrome; Medulloblastoma. Last evaluated: 2020-08-20. Review status: criteria provided, single submitter. Criteria: Invitae Variant Classification Sherloc (09022015). Collection method: clinical testing. Allele origin: germline.
Comment: Algorithms developed to predict the effect of missense changes on protein structure and function (SIFT, PolyPhen-2, Align-GVGD) all suggest that this variant is likely to be tolerated, but these predictions have not been confirmed by published functional studies and their clinical significance is uncertain. Algorithms developed to predict the effect of sequence changes on RNA splicing suggest that this variant may disrupt the consensus splice site, but this prediction has not been confirmed by published transcriptional studies. In summary, the available evidence is currently insufficient to determine the role of this variant in disease. Therefore, it has been classified as a Variant of Uncertain Significance. This variant has not been reported in the literature in individuals with SUFU-related conditions. This variant is not present in population databases (ExAC no frequency). This sequence change replaces glutamic acid with aspartic acid at codon 106 of the SUFU protein (p.Glu106Asp). The glutamic acid residue is highly conserved and there is a small physicochemical difference between glutamic acid and aspartic acid.

NM_016169.4(SUFU):c.318G>T (p.Glu106Asp)

Gene: SUFU (SUFU negative regulator of hedgehog signaling; plus strand). Cytogenetic location: 10q24.32.
Variant type: single nucleotide variant.
Coding change: c.318G>T on transcript NM_016169.4 (MANE Select); coding-DNA position 318, G replaced by T.
Protein change: p.Glu106Asp; replaces glutamic acid 106 with aspartic acid.
Molecular consequence: missense variant.
Genome position (GRCh38, 1-based): chr10:102,549,970, G>T. VCF-style: chr10-102549970-G-T. GRCh37 (hg19) VCF-style: chr10-104309727-G-T.
Other names: c.318G>T, p.Glu106Asp (NM_001178133.2); c.318G>T (NM_016169.3); short protein forms E106D.
Identifiers: ClinVar variation 1059487 (VCV001059487.10), dbSNP rs1188593672, ClinGen allele CA377902950.